The following is an entry in ClinVar:

NM_015937.6(PIGT):c.1571T>C (p.Met524Thr)

Gene: PIGT (phosphatidylinositol glycan anchor biosynthesis class T; plus strand). Cytogenetic location: 20q13.12.
Variant type: single nucleotide variant.
Coding change: c.1571T>C on transcript NM_015937.6 (MANE Select); coding-DNA position 1571, T replaced by C.
Protein change: p.Met524Thr; replaces methionine 524 with threonine.
Molecular consequence: missense variant. On other transcripts: non-coding transcript variant (5).
Genome position (GRCh38, 1-based): chr20:45,425,660, T>C. VCF-style: chr20-45425660-T-C. GRCh37 (hg19) VCF-style: chr20-44054300-T-C.
Other names: c.1403T>C, p.Met468Thr (NM_001184728.3); c.1370T>C, p.Met457Thr (NM_001184729.3); c.1265T>C, p.Met422Thr (NM_001184730.3); short protein forms M457T, M468T, M524T, M422T.
Identifiers: ClinVar variation 2111537 (VCV002111537.4), dbSNP rs1990700607, ClinGen allele CA409171332.
Genomic context (GRCh38, chr20:45,425,660, plus strand): 5'-ACTTTGTGCGGCTCTACACGGAGCCGCTGCTGGTGAACCTGCCGACACCGGACTTCAGCA[T>C]GCCCTACAACGTGATCTGCCTCACGTGCACTGTGGTGGCCGTGTGCTATGGCTCCTTCTA-3'
Protein context (NP_057021.2, residues 514-534): LVNLPTPDFS[Met524Thr]PYNVICLTCT

ClinVar aggregate classification (germline): Uncertain significance (1 of 4 stars; one submission).

Conditions:
Multiple congenital anomalies-hypotonia-seizures syndrome 3 (MCAHS3). Also called: GLYCOSYLPHOSPHATIDYLINOSITOL BIOSYNTHESIS DEFECT 7. Identifiers: Orphanet 369837, MedGen C3809356, MONDO:0014165, OMIM 615398.

Allele frequency attached by ClinVar (database versions not stated): gnomAD exomes below 0.00001.

Submission:

Labcorp Genetics (formerly Invitae), Labcorp
Classification: Uncertain significance for Multiple congenital anomalies-hypotonia-seizures syndrome 3. Last evaluated: 2022-03-14. Review status: criteria provided, single submitter. Criteria: Invitae Variant Classification Sherloc (09022015). Collection method: clinical testing. Allele origin: germline.
Comment: This sequence change replaces methionine, which is neutral and non-polar, with threonine, which is neutral and polar, at codon 524 of the PIGT protein (p.Met524Thr). This variant is not present in population databases (gnomAD no frequency). In summary, the available evidence is currently insufficient to determine the role of this variant in disease. Therefore, it has been classified as a Variant of Uncertain Significance. Algorithms developed to predict the effect of missense changes on protein structure and function are either unavailable or do not agree on the potential impact of this missense change (SIFT: "Deleterious"; PolyPhen-2: "Probably Damaging"; Align-GVGD: "Class C0"). This variant has not been reported in the literature in individuals affected with PIGT-related conditions.